The following is an entry in ClinVar:

NM_000298.6(PKLR):c.1179T>A (p.Asn393Lys)

Gene: PKLR (pyruvate kinase L/R; minus strand). Cytogenetic location: 1q22.
Variant type: single nucleotide variant.
Coding change: c.1179T>A on transcript NM_000298.6 (MANE Select); coding-DNA position 1179, T replaced by A.
Protein change: p.Asn393Lys; replaces asparagine 393 with lysine.
Molecular consequence: missense variant.
Genome position (GRCh38, 1-based): chr1:155,293,528, A>T on the plus strand (T>A on the coding strand, the complement: PKLR is on the minus strand). VCF-style: chr1-155293528-A-T. GRCh37 (hg19) VCF-style: chr1-155263319-A-T.
Other names: p.Asn393Lys; c.1086T>A, p.Asn362Lys (NM_181871.4); short protein forms N393K, N362K.
Identifiers: ClinVar variation 4541522 (VCV004541522.3).
Genomic context (GRCh38, chr1:155,293,528, plus strand): 5'-GAAGTTGCCCTTGGCAGTCTCCCCTGACAGCATGATGCAGTCAGCCCCATCCAGCACAGC[A>T]TTGGCGACATCGCTTGTCTCTGCCCTCGTTGGCCGGGGCTTGGTAATCATGCTCTCCAGC-3'
Protein context (NP_000289.1, residues 383-403): PTRAETSDVA[Asn393Lys]AVLDGADCIM

ClinVar aggregate classification (germline): Pathogenic/Likely pathogenic. Review status: criteria provided, multiple submitters, no conflicts (2 of 4 stars). 3 submissions from 3 submitters: Pathogenic (1); Likely pathogenic (2). Last evaluated 2026-01-06.

Conditions:
PKLR-related disorder. Also called: PKLR-related condition.

gnomAD v4.1: 15 of 1,614,094 alleles (0.00093%); highest among the groups gnomAD compares: Non-Finnish European, 0.001%; no homozygotes.

Submissions (3):

Labcorp Genetics (formerly Invitae), Labcorp
Classification: Likely pathogenic. Last evaluated: 2026-01-06. Review status: criteria provided, single submitter. Criteria: Invitae Variant Classification Sherloc (09022015). Collection method: clinical testing. Allele origin: germline.
Comment: This sequence change replaces asparagine, which is neutral and polar, with lysine, which is basic and polar, at codon 393 of the PKLR protein (p.Asn393Lys). This variant is present in population databases (no rsID available, gnomAD 0.002%). This missense change has been observed in individual(s) with clinical features of pyruvate kinase deficiency (PMID: 7706479; internal data). Invitae Evidence Modeling of protein sequence and biophysical properties (such as structural, functional, and spatial information, amino acid conservation, physicochemical variation, residue mobility, and thermodynamic stability) indicates that this missense variant is expected to disrupt PKLR protein function with a positive predictive value of 80%. This variant disrupts the p.Asn393 amino acid residue in PKLR. Other variant(s) that disrupt this residue have been observed in individuals with PKLR-related conditions (PMID: 7706479, 16704447), which suggests that this may be a clinically significant amino acid residue. In summary, the currently available evidence indicates that the variant is pathogenic, but additional data are needed to prove that conclusively. Therefore, this variant has been classified as Likely Pathogenic.

Mayo Clinic Laboratories, Mayo Clinic
Classification: Likely pathogenic. Last evaluated: 2025-01-23. Review status: criteria provided, single submitter. Criteria: ACMG Guidelines, 2015. Collection method: clinical testing. Allele origin: germline. Observed: 1 variant allele.
Comment: PP3, PM2_supporting, PM3, PM5

Blueprint Genetics
Classification: Pathogenic for PKLR-related disorders. Last evaluated: 2022-12-12. Review status: criteria provided, single submitter. Criteria: ACMG Guidelines, 2015. Collection method: clinical testing. Allele origin: germline. Affected: yes. Observed: 1 variant allele.

Literature cited by the submitters: PubMed 7706479 (cited by Labcorp Genetics (formerly Invitae), Labcorp and Mayo Clinic Laboratories, Mayo Clinic); PubMed 16704447 (cited by Labcorp Genetics (formerly Invitae), Labcorp); PubMed 32043619 (cited by Mayo Clinic Laboratories, Mayo Clinic).